The following is an entry in ClinVar:

NM_001109878.2(TBX22):c.176-11G>T

Gene: TBX22 (T-box transcription factor 22). Cytogenetic location: Xq21.1.
Variant type: single nucleotide variant.
Coding change: c.176-11G>T on transcript NM_001109878.2 (MANE Select); 11 bases into the intron before coding-DNA position 176, G replaced by T.
Molecular consequence: intron variant.
Genome position (GRCh38, 1-based): chrX:80,023,049, G>T. VCF-style: chrX-80023049-G-T. GRCh37 (hg19) VCF-style: chrX-79278548-G-T.
Other names: c.-181-11G>T (NM_001109879.2); c.176-11G>T (NM_016954.2).
Identifiers: ClinVar variation 1305015 (VCV001305015.2), dbSNP rs750914206, ClinGen allele CA2573055412.

ClinVar aggregate classification (germline): Uncertain significance (1 of 4 stars; one submission).

Submission:

GeneDx
Classification: Uncertain significance. Last evaluated: 2019-04-29. Review status: criteria provided, single submitter. Criteria: GeneDx Variant Classification Process June 2021. Collection method: clinical testing. Allele origin: germline. Affected: yes.
Comment: Not observed in large population cohorts (Lek et al., 2016); In-silico analysis, which includes splice predictors and evolutionary conservation, is inconclusive as to whether the variant alters gene splicing. In the absence of RNA/functional studies, the actual effect of this sequence change is unknown.; Has not been previously published as pathogenic or benign to our knowledge